The following is an entry in ClinVar:

ClinVar aggregate classification (germline): Uncertain significance (1 of 4 stars; one submission).

Allele frequency attached by ClinVar (database versions not stated): gnomAD exomes below 0.00001; TOPMed 0.00001.
gnomAD v4.1: 2 of 1,551,628 alleles (0.00013%); highest among the groups gnomAD compares: Non-Finnish European, 0.00017%; no homozygotes.

Submission:

Labcorp Genetics (formerly Invitae), Labcorp
Classification: Uncertain significance. Last evaluated: 2022-02-08. Review status: criteria provided, single submitter. Criteria: Invitae Variant Classification Sherloc (09022015). Collection method: clinical testing. Allele origin: germline.
Comment: In summary, the available evidence is currently insufficient to determine the role of this variant in disease. Therefore, it has been classified as a Variant of Uncertain Significance. Algorithms developed to predict the effect of missense changes on protein structure and function output the following: SIFT: "Tolerated"; PolyPhen-2: "Benign"; Align-GVGD: "Class C0". The valine amino acid residue is found in multiple mammalian species, which suggests that this missense change does not adversely affect protein function. This sequence change replaces isoleucine, which is neutral and non-polar, with valine, which is neutral and non-polar, at codon 543 of the DTHD1 protein (p.Ile543Val). This variant is not present in population databases (gnomAD no frequency). This variant has not been reported in the literature in individuals affected with DTHD1-related conditions.

NM_001170700.3(DTHD1):c.2497A>G (p.Ile833Val)

Gene: DTHD1 (death domain containing 1; plus strand). Cytogenetic location: 4p14.
Variant type: single nucleotide variant.
Coding change: c.2497A>G on transcript NM_001170700.3 (MANE Select); coding-DNA position 2497, A replaced by G.
Protein change: p.Ile833Val; replaces isoleucine 833 with valine.
Molecular consequence: missense variant. On other transcripts: synonymous variant (1), non-coding transcript variant (2).
Genome position (GRCh38, 1-based): chr4:36,343,600, A>G. VCF-style: chr4-36343600-A-G. GRCh37 (hg19) VCF-style: chr4-36345222-A-G.
Other names: c.1627A>G, p.Ile543Val (NM_001136536.5); c.1506A>G, p.Pro502= (NM_001378435.1); short protein forms I833V, I543V.
Identifiers: ClinVar variation 1422276 (VCV001422276.8), dbSNP rs1354706272, ClinGen allele CA356682215.